The following is an entry in ClinVar:

ClinVar aggregate classification (germline): Uncertain significance (1 of 4 stars; one submission).

Conditions:
Fanconi anemia (FA). Also called: Fanconi's anemia. Identifiers: Orphanet 84, MedGen C0015625, MeSH D005199, MONDO:0019391.

gnomAD v4.1: 1 of 1,613,654 alleles (0.000062%); highest among the groups gnomAD compares: African/African-American, 0.0013%; no homozygotes.

Submission:

Labcorp Genetics (formerly Invitae), Labcorp
Classification: Uncertain significance for Fanconi anemia. Last evaluated: 2024-09-04. Review status: criteria provided, single submitter. Criteria: Invitae Variant Classification Sherloc (09022015). Collection method: clinical testing. Allele origin: germline.
Comment: This sequence change replaces aspartic acid, which is acidic and polar, with histidine, which is basic and polar, at codon 1006 of the FANCM protein (p.Asp1006His). This variant is not present in population databases (gnomAD no frequency). This variant has not been reported in the literature in individuals affected with FANCM-related conditions. An algorithm developed to predict the effect of missense changes on protein structure and function (PolyPhen-2) suggests that this variant is likely to be tolerated. In summary, the available evidence is currently insufficient to determine the role of this variant in disease. Therefore, it has been classified as a Variant of Uncertain Significance.

NM_020937.4(FANCM):c.3016G>C (p.Asp1006His)

Gene: FANCM (FA complementation group M; plus strand). Cytogenetic location: 14q21.2.
Variant type: single nucleotide variant.
Coding change: c.3016G>C on transcript NM_020937.4 (MANE Select); coding-DNA position 3016, G replaced by C.
Protein change: p.Asp1006His; replaces aspartic acid 1006 with histidine.
Molecular consequence: missense variant.
Genome position (GRCh38, 1-based): chr14:45,175,770, G>C. VCF-style: chr14-45175770-G-C. GRCh37 (hg19) VCF-style: chr14-45644973-G-C.
Other names: c.2938G>C, p.Asp980His (NM_001308133.2); short protein forms D1006H, D980H.
Identifiers: ClinVar variation 3695071 (VCV003695071.2).